The following is an entry in ClinVar:

NM_001368397.1(FRMPD4):c.424A>G (p.Ser142Gly)

Gene: FRMPD4 (FERM and PDZ domain containing 4; plus strand). Cytogenetic location: Xp22.2.
Variant type: single nucleotide variant.
Coding change: c.424A>G on transcript NM_001368397.1 (MANE Select); coding-DNA position 424, A replaced by G.
Protein change: p.Ser142Gly; replaces serine 142 with glycine.
Molecular consequence: missense variant.
Genome position (GRCh38, 1-based): chrX:12,674,864, A>G. VCF-style: chrX-12674864-A-G. GRCh37 (hg19) VCF-style: chrX-12692983-A-G.
Other names: c.535A>G, p.Ser179Gly (NM_001368395.3, NM_001368398.3); c.424A>G, p.Ser142Gly (NM_001368396.3, NM_014728.3); c.415A>G, p.Ser139Gly (NM_001368399.3); c.304A>G, p.Ser102Gly (NM_001368400.3); c.400A>G, p.Ser134Gly (NM_001368401.1, NM_001368402.3); short protein forms S102G, S134G, S139G, S142G, S179G.
Identifiers: ClinVar variation 2633408 (VCV002633408.1), dbSNP rs2519724179, ClinGen allele CA412007056.

ClinVar aggregate classification (germline): Uncertain significance (1 of 4 stars; one submission).

Conditions:
FRMPD4-related disorder. Also called: FRMPD4-related condition.

Allele frequency attached by ClinVar (database versions not stated): gnomAD exomes below 0.00001.
gnomAD v4.1: 1 of 1,144,900 alleles (0.000087%); highest among the groups gnomAD compares: Non-Finnish European, 0.00012%; no homozygotes.

Submission:

PreventionGenetics, part of Exact Sciences
Classification: Uncertain significance for FRMPD4-related condition. Last evaluated: 2023-04-11. Review status: criteria provided, single submitter. Criteria: ACMG Guidelines, 2015. Collection method: clinical testing. Allele origin: germline.
Comment: The FRMPD4 c.424A>G variant is predicted to result in the amino acid substitution p.Ser142Gly. To our knowledge, this variant has not been reported in the literature or in a large population database, indicating this variant is rare. At this time, the clinical significance of this variant is uncertain due to the absence of conclusive functional and genetic evidence.